The following is an entry in ClinVar:

NM_177438.3(DICER1):c.1626A>C (p.Glu542Asp)

Gene: DICER1 (dicer 1, ribonuclease III; minus strand). Cytogenetic location: 14q32.13.
Variant type: single nucleotide variant.
Coding change: c.1626A>C on transcript NM_177438.3 (MANE Select); coding-DNA position 1626, A replaced by C.
Protein change: p.Glu542Asp; replaces glutamic acid 542 with aspartic acid.
Molecular consequence: missense variant.
Genome position (GRCh38, 1-based): chr14:95,116,579, T>G on the plus strand (A>C on the coding strand, the complement: DICER1 is on the minus strand). VCF-style: chr14-95116579-T-G. GRCh37 (hg19) VCF-style: chr14-95582916-T-G.
Other names: c.1626A>C (NM_177438.2); c.1626A>C, p.Glu542Asp (NM_001195573.1, NM_001271282.3, NM_001291628.2 and 1 more transcripts); short protein forms E542D.
Identifiers: ClinVar variation 1417109 (VCV001417109.8), dbSNP rs1332133230, ClinGen allele CA390884928.

ClinVar aggregate classification (germline): Uncertain significance. Review status: criteria provided, multiple submitters, no conflicts (2 of 4 stars). 2 submissions from 2 submitters: Uncertain significance (2). Last evaluated 2024-09-25.

Conditions:
Hereditary cancer-predisposing syndrome. Also called: Hereditary neoplastic syndrome; Neoplastic Syndromes, Hereditary; Hereditary Cancer Syndrome; Tumor predisposition. Identifiers: Orphanet 140162, MedGen C0027672, MeSH D009386, MONDO:0015356.
DICER1-related tumor predisposition. Also called: DICER1-related pleuropulmonary blastoma cancer predisposition syndrome; DICER1 syndrome. Identifiers: Orphanet 284343, MedGen C3839822, MONDO:0100216.

Submissions (2):

Ambry Genetics
Classification: Uncertain significance for Hereditary cancer-predisposing syndrome. Last evaluated: 2024-09-25. Review status: criteria provided, single submitter. Criteria: Ambry Variant Classification Scheme 2023. Collection method: clinical testing. Allele origin: germline.

Labcorp Genetics (formerly Invitae), Labcorp
Classification: Uncertain significance for DICER1-related tumor predisposition. Last evaluated: 2023-10-08. Review status: criteria provided, single submitter. Criteria: Invitae Variant Classification Sherloc (09022015). Collection method: clinical testing. Allele origin: germline.
Comment: This sequence change replaces glutamic acid, which is acidic and polar, with aspartic acid, which is acidic and polar, at codon 542 of the DICER1 protein (p.Glu542Asp). This variant is not present in population databases (gnomAD no frequency). This variant has not been reported in the literature in individuals affected with DICER1-related conditions. ClinVar contains an entry for this variant (Variation ID: 1417109). Advanced modeling of protein sequence and biophysical properties (such as structural, functional, and spatial information, amino acid conservation, physicochemical variation, residue mobility, and thermodynamic stability) performed at Invitae indicates that this missense variant is not expected to disrupt DICER1 protein function. In summary, the available evidence is currently insufficient to determine the role of this variant in disease. Therefore, it has been classified as a Variant of Uncertain Significance.